The following is an entry in ClinVar:

NM_139276.3(STAT3):c.2258-181C>A

Gene: STAT3 (signal transducer and activator of transcription 3; minus strand). Cytogenetic location: 17q21.2.
Variant type: single nucleotide variant.
Coding change: c.2258-181C>A on transcript NM_139276.3 (MANE Select); 181 bases into the intron before coding-DNA position 2258, C replaced by A.
Molecular consequence: intron variant.
Genome position (GRCh38, 1-based): chr17:42,315,981, G>T on the plus strand (C>A on the coding strand, the complement: STAT3 is on the minus strand). VCF-style: chr17-42315981-G-T. GRCh37 (hg19) VCF-style: chr17-40467999-G-T.
Other names: c.2159-181C>A (NM_001384989.1); c.2198-181C>A (NM_001384992.1); c.2174-181C>A (NM_001384984.1); c.*39-181C>A (NM_001369519.1, NM_001369517.1, NM_001369518.1 and 4 more transcripts); c.2255-181C>A (NM_003150.4, NM_001369514.1, NM_001369516.1); c.2258-181C>A (NM_001369512.1, NM_001369513.1); c.2180-181C>A (NM_001384985.1); c.2237-181C>A (NM_001384987.1); and 3 more.
Identifiers: ClinVar variation 677746 (VCV000677746.2), dbSNP rs17882369, ClinGen allele CA290727072.

ClinVar aggregate classification (germline): Benign. Review status: criteria provided, multiple submitters, no conflicts (2 of 4 stars). 2 submissions from 2 submitters: Benign (2). Last evaluated 2018-06-16.

Allele frequency attached by ClinVar (database versions not stated): gnomAD 0.06200; 1000 Genomes Project 0.06230; 1000 Genomes Project 30x 0.06402; TOPMed 0.07225.
gnomAD v4.1: 40,759 of 1,474,788 alleles (2.8%); highest among the groups gnomAD compares: African/African-American, 18%; 1,575 homozygotes.

Submissions (2):

GeneDx
Classification: Benign. Last evaluated: 2018-06-16. Review status: criteria provided, single submitter. Criteria: GeneDx Variant Classification (06012015). Collection method: clinical testing. Allele origin: germline. Affected: yes.
Comment: This variant is considered likely benign or benign based on one or more of the following criteria: it is a conservative change, it occurs at a poorly conserved position in the protein, it is predicted to be benign by multiple in silico algorithms, and/or has population frequency not consistent with disease.

Breakthrough Genomics
Classification: Benign. Review status: criteria provided, single submitter. Criteria: ACMG Guidelines, 2015. Collection method: not provided. Allele origin: germline. Inheritance: Autosomal dominant inheritance. Affected: yes.